The following is an entry in ClinVar:

NM_015150.2(RFTN1):c.1566T>C (p.Pro522=)

Genes: OXNAD1 (oxidoreductase NAD binding domain containing 1; plus strand), RFTN1 (raftlin, lipid raft linker 1; minus strand). Cytogenetic location: 3p24.3.
Variant type: single nucleotide variant.
Coding change: c.1566T>C on transcript NM_015150.2 (MANE Select); coding-DNA position 1566, T replaced by C.
Protein change: p.Pro522=; no amino-acid change (proline 522 retained).
Molecular consequence: synonymous variant. On other transcripts: intron variant (7).
Genome position (GRCh38, 1-based): chr3:16,316,999, A>G on the plus strand (T>C on the coding strand, the complement: RFTN1 is on the minus strand). VCF-style: chr3-16316999-A-G. GRCh37 (hg19) VCF-style: chr3-16358506-A-G.
Other names: c.*30+13407A>G (NM_001352982.2, NM_001440211.1, NM_001330671.3 and 2 more transcripts); c.*31-6100A>G (NM_001352981.2, NM_001352977.2).
Identifiers: ClinVar variation 2653606 (VCV002653606.22), dbSNP rs71310334, ClinGen allele CA2279604.

ClinVar aggregate classification (germline): Likely benign (1 of 4 stars; one submission).

Allele frequency attached by ClinVar (database versions not stated): ESP Exome Variant Server 0.00654; 1000 Genomes Project 30x 0.00328; TOPMed 0.00611; gnomAD 0.00643; ExAC 0.00727; 1000 Genomes Project 0.00260; gnomAD exomes 0.00823.
gnomAD v4.1: 12,891 of 1,613,964 alleles (0.8%); highest among the groups gnomAD compares: Non-Finnish European, 0.93%; 57 homozygotes.

Submission:

CeGaT Center for Human Genetics Tuebingen
Classification: Likely benign. Last evaluated: 2023-03-01. Review status: criteria provided, single submitter. Criteria: CeGaT Center For Human Genetics Tuebingen Variant Classification Criteria Version 2. Collection method: clinical testing. Allele origin: germline. Affected: yes. Observed: 1 variant allele.
Comment: RFTN1: BP4, BP7, BS2